The following is an entry in ClinVar:

NM_001283009.2(RTEL1):c.2545G>A (p.Gly849Ser)

Genes: RTEL1-TNFRSF6B (RTEL1-TNFRSF6B readthrough (NMD candidate); plus strand), RTEL1 (regulator of telomere elongation helicase 1; plus strand). Cytogenetic location: 20q13.33.
Variant type: single nucleotide variant.
Coding change: c.2545G>A on transcript NM_001283009.2 (MANE Select); coding-DNA position 2545, G replaced by A.
Protein change: p.Gly849Ser; replaces glycine 849 with serine.
Molecular consequence: missense variant. On other transcripts: non-coding transcript variant (1).
Genome position (GRCh38, 1-based): chr20:63,690,936, G>A. VCF-style: chr20-63690936-G-A. GRCh37 (hg19) VCF-style: chr20-62322289-G-A.
Other names: c.1876G>A, p.Gly626Ser (NM_001283010.1); c.2545G>A, p.Gly849Ser (NM_016434.4); c.2617G>A, p.Gly873Ser (NM_032957.5); short protein forms G626S, G849S, G873S.
Identifiers: ClinVar variation 3767559 (VCV003767559.2).

ClinVar aggregate classification (germline): Uncertain significance. Review status: criteria provided, multiple submitters, no conflicts (2 of 4 stars). 2 submissions from 2 submitters: Uncertain significance (2). Last evaluated 2025-07-16.

gnomAD v4.1: 38 of 1,550,702 alleles (0.0025%); highest among the groups gnomAD compares: Admixed American, 0.022%; 1 homozygote.

Submissions (2):

Women's Health and Genetics/Laboratory Corporation of America, LabCorp
Classification: Uncertain significance. Last evaluated: 2025-07-16. Review status: criteria provided, single submitter. Criteria: LabCorp Variant Classification Summary - May 2015. Collection method: clinical testing. Allele origin: germline.
Comment: Variant summary: RTEL1 c.2617G>A (p.Gly873Ser) results in a non-conservative amino acid change in the encoded protein sequence. Algorithms developed to predict the effect of missense changes on protein structure and function are either unavailable or do not agree on the potential impact of this missense change. The variant allele was found at a frequency of 6.4e-05 in 156718 control chromosomes in the gnomAD database, including 1 homozygotes. This frequency is not significantly higher than estimated for a pathogenic variant in RTEL1 causing Dyskeratosis Congenita (Hoyeraal Hreidarsson Syndrome) (6.4e-05 vs 0.0011), allowing no conclusion about variant significance. To our knowledge, no occurrence of c.2617G>A in individuals affected with Dyskeratosis Congenita (Hoyeraal Hreidarsson Syndrome) and no experimental evidence demonstrating its impact on protein function have been reported. ClinVar contains an entry for this variant (Variation ID: 3767559). Based on the evidence outlined above, the variant was classified as uncertain significance.

GeneDx
Classification: Uncertain significance. Last evaluated: 2024-09-09. Review status: criteria provided, single submitter. Criteria: GeneDx Variant Classification Process June 2021. Collection method: clinical testing. Allele origin: germline. Affected: yes.
Comment: Not observed at significant frequency in large population cohorts (gnomAD); In silico analysis indicates that this missense variant does not alter protein structure/function; Observed in an infant with primary immunodeficiency disease, co-occurring with 2 CFTR variants in trans (PMID: 27577878); This variant is associated with the following publications: (PMID: 27577878)